The following is an entry in ClinVar:

NM_002485.5(NBN):c.1315A>G (p.Ile439Val)

Gene: NBN (nibrin; minus strand). Cytogenetic location: 8q21.3.
Variant type: single nucleotide variant.
Coding change: c.1315A>G on transcript NM_002485.5 (MANE Select); coding-DNA position 1315, A replaced by G.
Protein change: p.Ile439Val; replaces isoleucine 439 with valine.
Molecular consequence: missense variant.
Genome position (GRCh38, 1-based): chr8:89,955,365, T>C on the plus strand (A>G on the coding strand, the complement: NBN is on the minus strand). VCF-style: chr8-89955365-T-C. GRCh37 (hg19) VCF-style: chr8-90967593-T-C.
Other names: c.1069A>G, p.Ile357Val (NM_001024688.3); short protein forms I439V, I357V.
Identifiers: ClinVar variation 233961 (VCV000233961.22), dbSNP rs752837508, ClinGen allele CA4802766.
Genomic context (GRCh38, chr8:89,955,365, plus strand): 5'-AGTAGTTTCTGATGGAGTTGGTCTGCTGCTGCTGAGAAGCCCTATCTTTACTTTTATTTA[T>C]ACTTGGCAATTTAGTTGGTGAAAGCTGATAGTTTGGGATTCTCATCTTAGCCAAAGTATT-3'
Protein context (NP_002476.2, residues 429-449): YQLSPTKLPS[Ile439Val]NKSKDRASQQ

ClinVar aggregate classification (germline): Conflicting classifications of pathogenicity. Review status: criteria provided, conflicting classifications (1 of 4 stars). 6 submissions from 6 submitters: Uncertain significance (4); Likely benign (2). Last evaluated 2025-04-07.

Conditions:
Hereditary cancer-predisposing syndrome. Also called: Tumor predisposition; Hereditary Cancer Syndrome; Hereditary neoplastic syndrome; Neoplastic Syndromes, Hereditary. Identifiers: Orphanet 140162, MedGen C0027672, MeSH D009386, MONDO:0015356.
Microcephaly, normal intelligence and immunodeficiency (NBS). Also called: IMMUNODEFICIENCY, MICROCEPHALY, AND CHROMOSOMAL INSTABILITY; SEEMANOVA SYNDROME II; Nijmegen breakage syndrome; Microcephaly with normal intelligence immunodeficiency and lymphoreticular malignancies; Nonsyndromal microcephaly autosomal recessive with normal intelligence; Seemanova syndrome 2. Identifiers: Orphanet 647, MedGen C0398791, MONDO:0009623, OMIM 251260.

Allele frequency attached by ClinVar (database versions not stated): gnomAD exomes below 0.00001 and 0.00001; TOPMed below 0.00001; ExAC 0.00001; gnomAD 0.00001.
gnomAD v4.1: 22 of 1,613,796 alleles (0.0014%); highest among the groups gnomAD compares: East Asian, 0.0022%; no homozygotes.

Submissions (6):

Labcorp Genetics (formerly Invitae), Labcorp
Classification: Uncertain significance for Microcephaly, normal intelligence and immunodeficiency. Last evaluated: 2025-04-07. Review status: criteria provided, single submitter. Criteria: Invitae Variant Classification Sherloc (09022015). Collection method: clinical testing. Allele origin: germline.
Comment: This sequence change replaces isoleucine, which is neutral and non-polar, with valine, which is neutral and non-polar, at codon 439 of the NBN protein (p.Ile439Val). This variant is present in population databases (rs752837508, gnomAD 0.005%). This variant has not been reported in the literature in individuals affected with NBN-related conditions. ClinVar contains an entry for this variant (Variation ID: 233961). An algorithm developed to predict the effect of missense changes on protein structure and function outputs the following: PolyPhen-2: "Benign". The valine amino acid residue is found in multiple mammalian species, which suggests that this missense change does not adversely affect protein function. In summary, the available evidence is currently insufficient to determine the role of this variant in disease. Therefore, it has been classified as a Variant of Uncertain Significance.

Women's Health and Genetics/Laboratory Corporation of America, LabCorp
Classification: Uncertain significance. Last evaluated: 2024-04-23. Review status: criteria provided, single submitter. Criteria: LabCorp Variant Classification Summary - May 2015. Collection method: clinical testing. Allele origin: germline.
Comment: Variant summary: NBN c.1315A>G (p.Ile439Val) results in a conservative amino acid change in the encoded protein sequence. Five of five in-silico tools predict a benign effect of the variant on protein function. The variant allele was found at a frequency of 4e-06 in 251274 control chromosomes. The available data on variant occurrences in the general population are insufficient to allow any conclusion about variant significance. To our knowledge, no occurrence of c.1315A>G in individuals affected with Nijmegen Breakage Syndrome and no experimental evidence demonstrating its impact on protein function have been reported. ClinVar contains an entry for this variant (Variation ID: 233961). Based on the evidence outlined above, the variant was classified as uncertain significance.

Genome-Nilou Lab
Classification: Likely benign for Microcephaly, normal intelligence and immunodeficiency. Last evaluated: 2021-11-07. Review status: criteria provided, single submitter. Criteria: ACMG Guidelines, 2015. Collection method: clinical testing. Allele origin: germline. Affected: no.

Sema4
Classification: Uncertain significance for Hereditary cancer-predisposing syndrome. Last evaluated: 2021-06-15. Review status: criteria provided, single submitter. Criteria: Sema4 Curation Guidelines. Collection method: curation. Allele origin: germline.
Comment: The NBN c.1315A>G (p.I439V) variant has been reported in 3/60466 breast cancer cases and 5/53461 healthy controls by a large case-control study (PMID: 33471991). It was observed in 1/19954 chromosomes of the East Asian subpopulation in the large and broad cohorts of the Genome Aggregation Database. The variant has been reported in ClinVar (Variation ID: 233961). In silico tools suggest the impact of the variant on protein function is benign, though these predictions have not been confirmed by functional studies. The evidence is insufficient to meet ACMG/AMP criteria for classifying the variant as benign or pathogenic. Thus, the clinical significance of this variant is currently uncertain.

Department of Pathology and Laboratory Medicine, Sinai Health System
Classification: Uncertain significance for Microcephaly, normal intelligence and immunodeficiency. Last evaluated: 2020-09-21. Review status: criteria provided, single submitter. Criteria: ACMG Guidelines, 2015. Collection method: clinical testing. Allele origin: germline. Affected: yes.

Ambry Genetics
Classification: Likely benign for Hereditary cancer-predisposing syndrome. Last evaluated: 2017-08-31. Review status: criteria provided, single submitter. Criteria: Ambry Variant Classification Scheme 2023. Collection method: clinical testing. Allele origin: germline.

Literature cited by the submitters: PubMed 33471991 (cited by Sema4).